The following is an entry in ClinVar:

ClinVar aggregate classification (germline): Conflicting classifications of pathogenicity. Review status: criteria provided, conflicting classifications (1 of 4 stars). 2 submissions from 2 submitters: Uncertain significance (1); Likely benign (1). Last evaluated 2023-03-23.

Conditions:
Breast-ovarian cancer, familial, susceptibility to, 2 (BROVCA2). Also called: BRCA2 Hereditary Breast and Ovarian Cancer. Identifiers: Orphanet 145, MedGen C2675520, MONDO:0012933, OMIM 612555. Disease mechanism: loss of function.
Hereditary cancer-predisposing syndrome. Also called: Tumor predisposition; Hereditary neoplastic syndrome; Neoplastic Syndromes, Hereditary; Hereditary Cancer Syndrome. Identifiers: Orphanet 140162, MedGen C0027672, MeSH D009386, MONDO:0015356.

Submissions (2):

University of Washington Department of Laboratory Medicine, University of Washington
Classification: Likely benign for Hereditary cancer-predisposing syndrome. Last evaluated: 2023-03-23. Review status: criteria provided, single submitter. Criteria: Dines et al. (Genet Med. 2020). Collection method: curation. Allele origin: germline.
Comment: Missense variant in a coldspot region where missense variants are very unlikely to be pathogenic (PMID:31911673).

BRCA2 exon 10 coldspot. Reclassification based on statistical prior probability.

University of Science and Technology Houari Boumediene, Laboratory of Molecular and Cellular Biology (LBCM)
Classification: Uncertain significance for Breast-ovarian cancer, familial, susceptibility to, 2. Review status: criteria provided, single submitter. Criteria: ACMG Guidelines, 2015. Collection method: clinical testing. Allele origin: germline. Affected: yes. Observed: 1 heterozygote.

Literature cited by the submitters: PubMed 22684231 (cited by University of Science and Technology Houari Boumediene, Laboratory of Molecular and Cellular Biology (LBCM)); PubMed 23697973 (cited by University of Science and Technology Houari Boumediene, Laboratory of Molecular and Cellular Biology (LBCM)).

NM_000059.4(BRCA2):c.1099G>A (p.Asp367Asn)

Gene: BRCA2 (BRCA2 DNA repair associated; plus strand). Cytogenetic location: 13q13.1.
Variant type: single nucleotide variant.
Coding change: c.1099G>A on transcript NM_000059.4 (MANE Select); coding-DNA position 1099, G replaced by A.
Protein change: p.Asp367Asn; replaces aspartic acid 367 with asparagine.
Molecular consequence: missense variant.
Genome position (GRCh38, 1-based): chr13:32,332,577, G>A. VCF-style: chr13-32332577-G-A. GRCh37 (hg19) VCF-style: chr13-32906714-G-A.
Other names: short protein forms D367N.
Identifiers: ClinVar variation 1527836 (VCV001527836.5), dbSNP rs2137467635, ClinGen allele CA387761542.
Genomic context (GRCh38, chr13:32,332,577, plus strand): 5'-CAAGTGAAAGAAAAATACTCATTTGTATCTGAAGTGGAACCAAATGATACTGATCCATTA[G>A]ATTCAAATGTAGCAAATCAGAAGCCCTTTGAGAGTGGAAGTGACAAAATCTCCAAGGAAG-3'
Protein context (NP_000050.3, residues 357-377): EVEPNDTDPL[Asp367Asn]SNVANQKPFE